The following is an entry in ClinVar:

ClinVar aggregate classification (germline): Benign/Likely benign. Review status: criteria provided, multiple submitters, no conflicts (2 of 4 stars). 3 submissions from 3 submitters: Benign (1); Likely benign (2). Last evaluated 2018-10-20.

Conditions:
Abetalipoproteinaemia (ABL). Also called: MTP DEFICIENCY; Abetalipoproteinemia; Abetalipoproteinemia neuropathy; Apolipoprotein B deficiency; Congenital betalipoprotein deficiency syndrome. Identifiers: Orphanet 14, MedGen C0000744, MONDO:0008692, OMIM 200100, HP:0008181.

Allele frequency attached by ClinVar (database versions not stated): 1000 Genomes Project 0.00978; gnomAD exomes 0.02383; 1000 Genomes Project 30x 0.01015; TOPMed 0.02311; gnomAD 0.02360.
gnomAD v4.1: 32,246 of 1,333,954 alleles (2.4%); highest among the groups gnomAD compares: Middle Eastern, 12%; 853 homozygotes.

Submissions (3):

GeneDx
Classification: Likely benign. Last evaluated: 2018-10-20. Review status: criteria provided, single submitter. Criteria: GeneDx Variant Classification Process June 2021. Collection method: clinical testing. Allele origin: germline. Affected: yes.

Illumina Laboratory Services, Illumina
Classification: Benign for Abetalipoproteinaemia. Last evaluated: 2018-01-12. Review status: criteria provided, single submitter. Criteria: ICSL Variant Classification Criteria 13 December 2019. Collection method: clinical testing. Allele origin: germline.
Comment: This variant was observed in the ICSL laboratory as part of a predisposition screen in an ostensibly healthy population. It had not been previously curated by ICSL or reported in the Human Gene Mutation Database (HGMD: prior to June 1st, 2018), and was therefore a candidate for classification through an automated scoring system. Utilizing variant allele frequency, disease prevalence and penetrance estimates, and inheritance mode, an automated score was calculated to assess if this variant is too frequent to cause the disease. Based on the score and internal cut-off values, a variant classified as benign is not then subjected to further curation. The score for this variant resulted in a classification of benign for this disease.

Breakthrough Genomics
Classification: Likely benign. Review status: criteria provided, single submitter. Criteria: ACMG Guidelines, 2015. Collection method: not provided. Allele origin: germline. Inheritance: Autosomal recessive inheritance. Affected: yes.

NM_001386140.1(MTTP):c.*113G>C

Gene: MTTP (microsomal triglyceride transfer protein; plus strand). Cytogenetic location: 4q23.
Variant type: single nucleotide variant.
Coding change: c.*113G>C on transcript NM_001386140.1 (MANE Select); 113 bases downstream of the stop codon, G replaced by C.
Molecular consequence: 3 prime UTR variant.
Genome position (GRCh38, 1-based): chr4:99,622,961, G>C. VCF-style: chr4-99622961-G-C. GRCh37 (hg19) VCF-style: chr4-100544118-G-C.
Other names: c.*113G>C (NM_000253.4, NM_001300785.2).
Identifiers: ClinVar variation 901281 (VCV000901281.7), dbSNP rs112407688, ClinGen allele CA102652657.